The following is an entry in ClinVar:

NM_000684.3(ADRB1):c.145A>G (p.Ser49Gly)

Gene: ADRB1 (adrenoceptor beta 1; plus strand). Cytogenetic location: 10q25.3.
Variant type: single nucleotide variant.
Coding change: c.145A>G on transcript NM_000684.3 (MANE Select); coding-DNA position 145, A replaced by G.
Protein change: p.Ser49Gly; replaces serine 49 with glycine.
Molecular consequence: missense variant.
Genome position (GRCh38, 1-based): chr10:114,044,277, A>G. VCF-style: chr10-114044277-A-G. GRCh37 (hg19) VCF-style: chr10-115804036-A-G.
Other names: short protein forms S49G.
Identifiers: ClinVar variation 17747 (VCV000017747.4), dbSNP rs1801252, ClinGen allele CA127367.
Genomic context (GRCh38, chr10:114,044,277, plus strand): 5'-GCGGCGCGGCTGCTGGTGCCCGCGTCGCCGCCCGCCTCGTTGCTGCCTCCCGCCAGCGAA[A>G]GCCCCGAGCCGCTGTCTCAGCAGTGGACAGCGGGCATGGGTCTGCTGATGGCGCTCATCG-3'
Protein context (NP_000675.1, residues 39-59): PASLLPPASE[Ser49Gly]PEPLSQQWTA

ClinVar aggregate classification (germline): Likely benign. Review status: criteria provided, multiple submitters, no conflicts (2 of 4 stars). 4 submissions from 4 submitters: Likely benign (2). 2 of the submissions do not count toward it. Last evaluated 2018-03-09.

Conditions:
Resting heart rate (RHR). Also called: Resting heart rate, variation in. Identifiers: MedGen C1821417, OMIM 607276.
ADRB1-related disorder. Also called: ADRB1-related condition.

Allele frequency attached by ClinVar (database versions not stated): gnomAD 0.17028 and 0.16847; TOPMed 0.17478; 1000 Genomes Project 0.17772; 1000 Genomes Project 30x 0.18082; ExAC 0.30400; gnomAD exomes 0.13420 and 0.15426.
gnomAD v4.1: 212,366 of 1,542,848 alleles (14%); highest among the groups gnomAD compares: Admixed American, 26%; 15,863 homozygotes.

Submissions (4):

GeneDx
Classification: Likely benign. Last evaluated: 2018-03-09. Review status: criteria provided, single submitter. Criteria: GeneDx Variant Classification (06012015). Collection method: clinical testing. Allele origin: germline. Affected: yes.
Comment: This variant is considered likely benign or benign based on one or more of the following criteria: it is a conservative change, it occurs at a poorly conserved position in the protein, it is predicted to be benign by multiple in silico algorithms, and/or has population frequency not consistent with disease.

Breakthrough Genomics
Classification: Likely benign. Review status: criteria provided, single submitter. Criteria: ACMG Guidelines, 2015. Collection method: not provided. Allele origin: germline. Inheritance: Autosomal dominant inheritance. Affected: yes.

PreventionGenetics, part of Exact Sciences
Classification: Benign for ADRB1-related condition. Last evaluated: 2019-10-28. Review status: no assertion criteria provided. Collection method: clinical testing. Allele origin: germline. Not counted in ClinVar's aggregate classification.
Comment: This variant is classified as benign based on ACMG/AMP sequence variant interpretation guidelines (Richards et al. 2015 PMID: 25741868, with internal and published modifications).

OMIM
Classification: association for RESTING HEART RATE, VARIATION IN. Last evaluated: 2015-05-18. Review status: no assertion criteria provided. Collection method: literature only. Allele origin: germline. Not counted in ClinVar's aggregate classification.

Literature cited by the submitters: PubMed 11854867 (cited by OMIM).